The following is an entry in ClinVar:

NM_032043.3(BRIP1):c.1237G>C (p.Val413Leu)

Gene: BRIP1 (BRCA1 interacting DNA helicase 1; minus strand). Cytogenetic location: 17q23.2.
Variant type: single nucleotide variant.
Coding change: c.1237G>C on transcript NM_032043.3 (MANE Select); coding-DNA position 1237, G replaced by C.
Protein change: p.Val413Leu; replaces valine 413 with leucine.
Molecular consequence: missense variant.
Genome position (GRCh38, 1-based): chr17:61,799,203, C>G on the plus strand (G>C on the coding strand, the complement: BRIP1 is on the minus strand). VCF-style: chr17-61799203-C-G. GRCh37 (hg19) VCF-style: chr17-59876564-C-G.
Other names: c.1237G>C (NM_032043.2); short protein forms V413L.
Identifiers: ClinVar variation 1058764 (VCV001058764.11), dbSNP rs2145305445, ClinGen allele CA400483627.

ClinVar aggregate classification (germline): Conflicting classifications of pathogenicity. Review status: criteria provided, conflicting classifications (1 of 4 stars). 2 submissions from 2 submitters: Uncertain significance (1); Likely benign (1). Last evaluated 2024-10-11.

Conditions:
Familial cancer of breast. Also called: hereditary breast carcinoma; BREAST CANCER, FAMILIAL; Hereditary breast cancer. Identifiers: Orphanet 227535, MedGen C0346153, MONDO:0016419, OMIM 114480. Disease mechanism: loss of function.
Fanconi anemia complementation group J. Also called: BRIP1-Related Fanconi Anemia. Identifiers: Orphanet 84, MedGen C1836860, MONDO:0012187, OMIM 609054.
Hereditary cancer-predisposing syndrome. Also called: Tumor predisposition; Neoplastic Syndromes, Hereditary; Hereditary Cancer Syndrome; Hereditary neoplastic syndrome. Identifiers: Orphanet 140162, MedGen C0027672, MeSH D009386, MONDO:0015356.

Submissions (2):

Ambry Genetics
Classification: Likely benign for Hereditary cancer-predisposing syndrome. Last evaluated: 2024-10-11. Review status: criteria provided, single submitter. Criteria: Ambry Variant Classification Scheme 2023. Collection method: clinical testing. Allele origin: germline.

Labcorp Genetics (formerly Invitae), Labcorp
Classification: Uncertain significance for Familial cancer of breast; Fanconi anemia complementation group J. Last evaluated: 2020-03-25. Review status: criteria provided, single submitter. Criteria: Invitae Variant Classification Sherloc (09022015). Collection method: clinical testing. Allele origin: germline.
Comment: This variant is not present in population databases (ExAC no frequency). This variant has not been reported in the literature in individuals with BRIP1-related conditions. Algorithms developed to predict the effect of missense changes on protein structure and function (SIFT, PolyPhen-2, Align-GVGD) all suggest that this variant is likely to be tolerated, but these predictions have not been confirmed by published functional studies and their clinical significance is uncertain. In summary, the available evidence is currently insufficient to determine the role of this variant in disease. Therefore, it has been classified as a Variant of Uncertain Significance. This sequence change replaces valine with leucine at codon 413 of the BRIP1 protein (p.Val413Leu). The valine residue is weakly conserved and there is a small physicochemical difference between valine and leucine.